The following is an entry in ClinVar:

NM_001408.3(CELSR2):c.839C>T (p.Thr280Ile)

Gene: CELSR2 (cadherin EGF LAG seven-pass G-type receptor 2; plus strand). Cytogenetic location: 1p13.3.
Variant type: single nucleotide variant.
Coding change: c.839C>T on transcript NM_001408.3 (MANE Select); coding-DNA position 839, C replaced by T.
Protein change: p.Thr280Ile; replaces threonine 280 with isoleucine.
Molecular consequence: missense variant.
Genome position (GRCh38, 1-based): chr1:109,250,918, C>T. VCF-style: chr1-109250918-C-T. GRCh37 (hg19) VCF-style: chr1-109793540-C-T.
Other names: short protein forms T280I.
Identifiers: ClinVar variation 2384060 (VCV002384060.6), dbSNP rs144714113, ClinGen allele CA986467.

ClinVar aggregate classification (germline): Uncertain significance. Review status: criteria provided, multiple submitters, no conflicts (2 of 4 stars). 2 submissions from 2 submitters: Uncertain significance (2). Last evaluated 2025-12-15.

Allele frequency attached by ClinVar (database versions not stated): gnomAD 0.00009; ESP Exome Variant Server 0.00023; gnomAD exomes 0.00012; ExAC 0.00017; TOPMed 0.00008.
gnomAD v4.1: 185 of 1,613,794 alleles (0.011%); highest among the groups gnomAD compares: South Asian, 0.022%; no homozygotes.

Submissions (2):

Labcorp Genetics (formerly Invitae), Labcorp
Classification: Uncertain significance. Last evaluated: 2025-12-15. Review status: criteria provided, single submitter. Criteria: Invitae Variant Classification Sherloc (09022015). Collection method: clinical testing. Allele origin: germline.
Comment: This sequence change replaces threonine, which is neutral and polar, with isoleucine, which is neutral and non-polar, at codon 280 of the CELSR2 protein (p.Thr280Ile). This variant is present in population databases (rs144714113, gnomAD 0.1%), and has an allele count higher than expected for a pathogenic variant. This variant has not been reported in the literature in individuals affected with CELSR2-related conditions. ClinVar contains an entry for this variant (Variation ID: 2384060). Invitae Evidence Modeling of protein sequence and biophysical properties (such as structural, functional, and spatial information, amino acid conservation, physicochemical variation, residue mobility, and thermodynamic stability) indicates that this missense variant is not expected to disrupt CELSR2 protein function with a negative predictive value of 80%. In summary, the available evidence is currently insufficient to determine the role of this variant in disease. Therefore, it has been classified as a Variant of Uncertain Significance.

Ambry Genetics
Classification: Uncertain significance. Last evaluated: 2025-06-18. Review status: criteria provided, single submitter. Criteria: Ambry Variant Classification Scheme 2023. Collection method: clinical testing. Allele origin: germline.